The following is an entry in ClinVar:

NM_015047.3(EMC1):c.277C>T (p.His93Tyr)

Gene: EMC1 (ER membrane protein complex subunit 1; minus strand). Cytogenetic location: 1p36.13.
Variant type: single nucleotide variant.
Coding change: c.277C>T on transcript NM_015047.3 (MANE Select); coding-DNA position 277, C replaced by T.
Protein change: p.His93Tyr; replaces histidine 93 with tyrosine.
Molecular consequence: missense variant. On other transcripts: intron variant (1).
Genome position (GRCh38, 1-based): chr1:19,243,959, G>A on the plus strand (C>T on the coding strand, the complement: EMC1 is on the minus strand). VCF-style: chr1-19243959-G-A. GRCh37 (hg19) VCF-style: chr1-19570453-G-A.
Other names: c.277C>T, p.His93Tyr (NM_001271427.2, NM_001271428.2, NM_001375820.1 and 1 more transcripts); c.221-252C>T (NM_001271429.2); short protein forms H93Y.
Identifiers: ClinVar variation 4774877 (VCV004774877.1).

ClinVar aggregate classification (germline): Uncertain significance (1 of 4 stars; one submission).

Submission:

Labcorp Genetics (formerly Invitae), Labcorp
Classification: Uncertain significance. Last evaluated: 2025-03-27. Review status: criteria provided, single submitter. Criteria: Invitae Variant Classification Sherloc (09022015). Collection method: clinical testing. Allele origin: germline.
Comment: This sequence change replaces histidine, which is basic and polar, with tyrosine, which is neutral and polar, at codon 93 of the EMC1 protein (p.His93Tyr). This variant is not present in population databases (gnomAD no frequency). This variant has not been reported in the literature in individuals affected with EMC1-related conditions. Invitae Evidence Modeling of protein sequence and biophysical properties (such as structural, functional, and spatial information, amino acid conservation, physicochemical variation, residue mobility, and thermodynamic stability) indicates that this missense variant is not expected to disrupt EMC1 protein function with a negative predictive value of 80%. In summary, the available evidence is currently insufficient to determine the role of this variant in disease. Therefore, it has been classified as a Variant of Uncertain Significance.